The following is an entry in ClinVar:

ClinVar aggregate classification (germline): Uncertain significance (1 of 4 stars; one submission).

Conditions:
Hyperkalemic periodic paralysis. Also called: Gamstorp disease; Familial hyperkalemic periodic paralysis. Identifiers: Orphanet 682, MedGen C0238357, MONDO:0008224, OMIM 170500, HP:0007215.

Submission:

Labcorp Genetics (formerly Invitae), Labcorp
Classification: Uncertain significance for Hyperkalemic periodic paralysis. Last evaluated: 2022-03-31. Review status: criteria provided, single submitter. Criteria: Invitae Variant Classification Sherloc (09022015). Collection method: clinical testing. Allele origin: germline.
Comment: This sequence change replaces isoleucine, which is neutral and non-polar, with leucine, which is neutral and non-polar, at codon 1357 of the SCN4A protein (p.Ile1357Leu). This variant is not present in population databases (gnomAD no frequency). In summary, the available evidence is currently insufficient to determine the role of this variant in disease. Therefore, it has been classified as a Variant of Uncertain Significance. Algorithms developed to predict the effect of missense changes on protein structure and function are either unavailable or do not agree on the potential impact of this missense change (SIFT: "Deleterious"; PolyPhen-2: "Possibly Damaging"; Align-GVGD: "Class C0"). ClinVar contains an entry for this variant (Variation ID: 543809). This variant has not been reported in the literature in individuals affected with SCN4A-related conditions.

NM_000334.4(SCN4A):c.4069A>C (p.Ile1357Leu)

Genes: SCN4A (sodium voltage-gated channel alpha subunit 4; minus strand), GH-LCR (growth hormone locus control region; plus strand). Cytogenetic location: 17q23.3.
Variant type: single nucleotide variant.
Coding change: c.4069A>C on transcript NM_000334.4 (MANE Select); coding-DNA position 4069, A replaced by C.
Protein change: p.Ile1357Leu; replaces isoleucine 1357 with leucine.
Molecular consequence: missense variant.
Genome position (GRCh38, 1-based): chr17:63,943,045, T>G on the plus strand (A>C on the coding strand, the complement: SCN4A is on the minus strand). VCF-style: chr17-63943045-T-G. GRCh37 (hg19) VCF-style: chr17-62020405-T-G.
Other names: short protein forms I1357L.
Identifiers: ClinVar variation 543809 (VCV000543809.9), dbSNP rs1555601045, ClinGen allele CA400616809.
Genomic context (GRCh38, chr17:63,943,045, plus strand): 5'-GGTTGTCTGTCTCCACCATCATGGTGACCATGTTGAGGCAGATGAGGATCATGATGGTGA[T>G]GTCGAAGGCCTGCTTCGTCACGAGGTCATACACCATGCCCTGGATCTTGTTCTGCAGCAT-3'
Protein context (NP_000325.4, residues 1347-1367): YDLVTKQAFD[Ile1357Leu]TIMILICLNM